The following is an entry in ClinVar:

NM_001378454.1(ALMS1):c.1382T>A (p.Leu461Ter)

Gene: ALMS1 (ALMS1 centrosome and basal body associated protein; plus strand). Cytogenetic location: 2p13.1.
Variant type: single nucleotide variant.
Coding change: c.1382T>A on transcript NM_001378454.1 (MANE Select); coding-DNA position 1382, T replaced by A.
Protein change: p.Leu461Ter; replaces leucine 461 with a stop codon.
Molecular consequence: nonsense.
Genome position (GRCh38, 1-based): chr2:73,432,241, T>A. VCF-style: chr2-73432241-T-A. GRCh37 (hg19) VCF-style: chr2-73659369-T-A.
Other names: c.1385T>A, p.Leu462Ter (NM_015120.4); short protein forms L461*, L462*.
Identifiers: ClinVar variation 4815771 (VCV004815771.1).

ClinVar aggregate classification (germline): Likely pathogenic (1 of 4 stars; one submission).

Conditions:
Alstrom syndrome (ALMS). Identifiers: Orphanet 64, MedGen C0268425, MONDO:0008763, OMIM 203800.

Submission:

Natera, Inc.
Classification: Likely pathogenic for Alstrom syndrome. Last evaluated: 2024-10-04. Review status: criteria provided, single submitter. Criteria: Natera Variant Classification Schema (03/2026). Collection method: clinical testing. Allele origin: germline.
Comment: The c.1385T>A variant in ALMS1 is a nonsense variant predicted to introduce a stop codon at amino acid 462. This variant is expected to result in nonsense mediated decay, truncation, or a dysfunctional protein product. This variant is rare in the general population with a frequency below the threshold expected for the associated phenotype(s). Given the available evidence, this variant is classified as Likely Pathogenic.